The following is an entry in ClinVar:

NM_002890.3(RASA1):c.2866_2867del (p.Val956fs)

Genes: CCNH (cyclin H; minus strand), RASA1 (RAS p21 protein activator 1; plus strand). Cytogenetic location: 5q14.3.
Variant type: Microsatellite.
Coding change: c.2866_2867del on transcript NM_002890.3 (MANE Select); coding-DNA positions 2866 to 2867, 2 bases deleted (GT; older notation c.2866_2867delGT).
Protein change: p.Val956fs; shifts the reading frame from valine 956.
Molecular consequence: frameshift variant. On other transcripts: intron variant (1).
Genome position (GRCh38, 1-based): chr5:87,386,844-87,386,845, GT deleted; deleting any 2 consecutive bases within chr5:87,386,842-87,386,845 gives the same sequence; the c. name uses the placement nearest the transcript's 3' end. VCF-style (leftmost placement, unchanged base first): chr5-87386841-GGT-G. GRCh37 (hg19) VCF-style: chr5-86682658-GGT-G.
Other names: c.2335_2336del, p.Val779fs (NM_022650.3); c.933+8201_933+8202del (NM_001364075.2); short protein forms V779fs, V956fs.
Identifiers: ClinVar variation 582697 (VCV000582697.3), dbSNP rs1561331089, ClinGen allele CA891843302.

ClinVar aggregate classification (germline): Pathogenic (1 of 4 stars; one submission).

Conditions:
Capillary malformation-arteriovenous malformation 1 (CMAVM1). Identifiers: Orphanet 137667, Orphanet 693907, MedGen C4747394, MONDO:0020783, OMIM 608354.

Submission:

Labcorp Genetics (formerly Invitae), Labcorp
Classification: Pathogenic for Capillary malformation-arteriovenous malformation. Last evaluated: 2018-06-01. Review status: criteria provided, single submitter. Criteria: Invitae Variant Classification Sherloc (09022015). Collection method: clinical testing. Allele origin: germline.
Comment: This sequence change creates a premature translational stop signal (p.Val956Glnfs*17) in the RASA1 gene. It is expected to result in an absent or disrupted protein product. This variant is not present in population databases (ExAC no frequency). This variant has not been reported in the literature in individuals with RASA1-related disease. Loss-of-function variants in RASA1 are known to be pathogenic (PMID: 24038909). For these reasons, this variant has been classified as Pathogenic.